The following is an entry in ClinVar:

ClinVar aggregate classification (germline): Likely benign (1 of 4 stars; one submission).

Allele frequency attached by ClinVar (database versions not stated): ESP Exome Variant Server 0.00115; 1000 Genomes Project 0.00140; 1000 Genomes Project 30x 0.00141; TOPMed 0.00155; gnomAD 0.00160; ExAC 0.00170.

Submission:

CeGaT Center for Human Genetics Tuebingen
Classification: Likely benign. Last evaluated: 2023-12-01. Review status: criteria provided, single submitter. Criteria: CeGaT Center For Human Genetics Tuebingen Variant Classification Criteria Version 2. Collection method: clinical testing. Allele origin: germline. Affected: yes. Observed: 1 variant allele.
Comment: PHLDB1: BS2

NM_001144758.3(PHLDB1):c.3322G>A (p.Ala1108Thr)

Gene: PHLDB1 (pleckstrin homology like domain family B member 1; plus strand). Cytogenetic location: 11q23.3.
Variant type: single nucleotide variant.
Coding change: c.3322G>A on transcript NM_001144758.3 (MANE Select); coding-DNA position 3322, G replaced by A.
Protein change: p.Ala1108Thr; replaces alanine 1108 with threonine.
Molecular consequence: missense variant.
Genome position (GRCh38, 1-based): chr11:118,645,556, G>A. VCF-style: chr11-118645556-G-A. GRCh37 (hg19) VCF-style: chr11-118516274-G-A.
Other names: c.3181G>A, p.Ala1061Thr (NM_001144759.3); c.3322G>A, p.Ala1108Thr (NM_015157.4); short protein forms A1061T, A1108T.
Identifiers: ClinVar variation 3024783 (VCV003024783.22), dbSNP rs149914355, ClinGen allele CA6307354.